The following is an entry in ClinVar:

NM_000153.4(GALC):c.328+1G>T

Gene: GALC (galactosylceramidase; minus strand). Cytogenetic location: 14q31.3.
Variant type: single nucleotide variant.
Coding change: c.328+1G>T on transcript NM_000153.4 (MANE Select); the canonical splice donor site of the intron after coding-DNA position 328, G replaced by T.
Molecular consequence: splice donor variant.
Genome position (GRCh38, 1-based): chr14:87,988,143, C>A on the plus strand (G>T on the coding strand, the complement: GALC is on the minus strand). VCF-style: chr14-87988143-C-A. GRCh37 (hg19) VCF-style: chr14-88454487-C-A.
Other names: c.250+1G>T (NM_001201402.2); c.259+1G>T (NM_001201401.2).
Identifiers: ClinVar variation 370833 (VCV000370833.13), dbSNP rs779701490, ClinGen allele CA7297435.

ClinVar aggregate classification (germline): Pathogenic/Likely pathogenic. Review status: criteria provided, multiple submitters, no conflicts (2 of 4 stars). 5 submissions from 5 submitters: Pathogenic (1); Likely pathogenic (3). 1 of the submissions does not count toward it. Last evaluated 2025-12-18.

Conditions:
Galactosylceramide beta-galactosidase deficiency. Also called: Leukodystrophy, Globoid Cell; Krabbe Disease; GALACTOCEREBROSIDASE DEFICIENCY; GALC DEFICIENCY; GLOBOID CELL LEUKOENCEPHALOPATHY. Identifiers: Orphanet 487, MedGen C0023521, MONDO:0009499, OMIM 245200.

Allele frequency attached by ClinVar (database versions not stated): gnomAD exomes 0.00001; ExAC 0.00002.

Submissions (5):

Natera, Inc.
Classification: Likely pathogenic for Galactosylceramide beta-galactosidase deficiency. Last evaluated: 2025-12-18. Review status: criteria provided, single submitter. Criteria: Natera Variant Classification Schema (03/2026). Collection method: clinical testing. Allele origin: germline.
Comment: The c.328+1G>T variant in GALC is a canonical splice donor site variant predicted to affect pre-mRNA splicing, which may result in an abnormal transcript and altered protein product. This variant is expected to result in nonsense mediated decay, truncation, or a dysfunctional protein product. This variant is rare in the general population with a frequency below the threshold expected for the associated phenotype(s). Given the available evidence, this variant is classified as Likely Pathogenic.

Labcorp Genetics (formerly Invitae), Labcorp
Classification: Pathogenic for Galactosylceramide beta-galactosidase deficiency. Last evaluated: 2025-01-21. Review status: criteria provided, single submitter. Criteria: Invitae Variant Classification Sherloc (09022015). Collection method: clinical testing. Allele origin: germline.
Comment: This sequence change affects a donor splice site in intron 3 of the GALC gene. It is expected to disrupt RNA splicing. Variants that disrupt the donor or acceptor splice site typically lead to a loss of protein function (PMID: 16199547), and loss-of-function variants in GALC are known to be pathogenic (PMID: 7437911, 9272171, 16607461). This variant is present in population databases (rs779701490, gnomAD 0.006%). Disruption of this splice site has been observed in individual(s) with Krabbe disease (internal data). ClinVar contains an entry for this variant (Variation ID: 370833). Algorithms developed to predict the effect of sequence changes on RNA splicing suggest that this variant may disrupt the consensus splice site. For these reasons, this variant has been classified as Pathogenic.

Fulgent Genetics
Classification: Likely pathogenic for Galactosylceramide beta-galactosidase deficiency. Last evaluated: 2024-05-14. Review status: criteria provided, single submitter. Criteria: ACMG Guidelines, 2015. Collection method: clinical testing. Allele origin: germline.

Neuberg Centre For Genomic Medicine, NCGM
Classification: Likely pathogenic for Galactosylceramide beta-galactosidase deficiency. Last evaluated: 2023-06-22. Review status: criteria provided, single submitter. Criteria: ACMG Guidelines, 2015. Collection method: clinical testing. Allele origin: germline. Inheritance: Autosomal recessive inheritance. Affected: yes.
Comment: The observed splice donor variant c.328+1G>T in GALC gene has not been reported previously as a pathogenic variant nor as a benign variant, to our knowledge. This variant is reported with 0.001% allele frequency in gnomAD Exomes. It has been submitted to ClinVar as Likely Pathogenic/ Pathogenic. This variant is predicted to be Likely damaging by SpliceAI Prediction. This variant is predicted to cause loss of normal protein function through protein truncation. Loss of function variants have been previously reported to be disease causing (Xu C, et al., 2006). For these reasons, this variant has been classified as Likely Pathogenic.

Counsyl
Classification: Likely pathogenic for Galactosylceramide beta-galactosidase deficiency. Last evaluated: 2016-04-21. Review status: no assertion criteria provided. Collection method: clinical testing. Allele origin: unknown. Not counted in ClinVar's aggregate classification.

Literature cited by the submitters: PubMed 16199547 (cited by Labcorp Genetics (formerly Invitae), Labcorp); PubMed 7437911 (cited by Labcorp Genetics (formerly Invitae), Labcorp); PubMed 9272171 (cited by Labcorp Genetics (formerly Invitae), Labcorp); PubMed 16607461 (cited by Labcorp Genetics (formerly Invitae), Labcorp).